The following is an entry in ClinVar:

ClinVar aggregate classification (germline): Uncertain significance (1 of 4 stars; one submission).

Conditions:
Dilated cardiomyopathy 1DD (CMD1DD). Identifiers: Orphanet 154, MedGen C2750995, MONDO:0013168, OMIM 613172.

Submission:

Labcorp Genetics (formerly Invitae), Labcorp
Classification: Uncertain significance for Dilated cardiomyopathy 1DD. Last evaluated: 2023-08-07. Review status: criteria provided, single submitter. Criteria: Invitae Variant Classification Sherloc (09022015). Collection method: clinical testing. Allele origin: unknown.
Comment: This variant is a gross deletion of the genomic region encompassing exon(s) 8-12 of the RBM20 gene. This deletion is out-of-frame, and is expected to create a premature translational stop signal and result in an absent or disrupted protein product. However, the current clinical and genetic evidence is not sufficient to establish whether loss-of-function variants in RBM20 cause disease. This variant has not been reported in the literature in individuals affected with RBM20-related conditions. In summary, the available evidence is currently insufficient to determine the role of this variant in disease. Therefore, it has been classified as a Variant of Uncertain Significance.

NC_000010.10:g.(?_112570121)_(112583392_?)del

Gene: RBM20 (RNA binding motif protein 20; plus strand). Cytogenetic location: 10q25.2.
Variant type: Deletion.
Identifiers: ClinVar variation 3244897 (VCV003244897.1).